The following is an entry in ClinVar:

NM_000492.4(CFTR):c.4381A>G (p.Lys1461Glu)

Genes: CFTR (CF transmembrane conductance regulator; plus strand), LOC111674477 (CFTR intron 23 enhancer; plus strand). Cytogenetic location: 7q31.2.
Variant type: single nucleotide variant.
Coding change: c.4381A>G on transcript NM_000492.4 (MANE Select); coding-DNA position 4381, A replaced by G.
Protein change: p.Lys1461Glu; replaces lysine 1461 with glutamic acid.
Molecular consequence: missense variant.
Genome position (GRCh38, 1-based): chr7:117,667,046, A>G. VCF-style: chr7-117667046-A-G. GRCh37 (hg19) VCF-style: chr7-117307100-A-G.
Other names: short protein forms K1461E.
Identifiers: ClinVar variation 3491602 (VCV003491602.1).
Genomic context (GRCh38, chr7:117,667,046, plus strand): 5'-ATCAGCCCCTCCGACAGGGTGAAGCTCTTTCCCCACCGGAACTCAAGCAAGTGCAAGTCT[A>G]AGCCCCAGATTGCTGCTCTGAAAGAGGAGACAGAAGAAGAGGTGCAAGATACAAGGCTTT-3'
Protein context (NP_000483.3, residues 1451-1471): PHRNSSKCKS[Lys1461Glu]PQIAALKEET

ClinVar aggregate classification (germline): Uncertain significance (1 of 4 stars; one submission).

Conditions:
Cystic fibrosis (CF). Also called: MUCOVISCIDOSIS. Identifiers: Orphanet 586, MedGen C0010674, MONDO:0009061, OMIM 219700. Disease mechanism: loss of function.

gnomAD v4.1: 6 of 1,613,932 alleles (0.00037%); highest among the groups gnomAD compares: South Asian, 0.0022%; no homozygotes.

Submission:

Ambry Genetics
Classification: Uncertain significance for Cystic fibrosis. Last evaluated: 2024-08-07. Review status: criteria provided, single submitter. Criteria: Ambry Variant Classification Scheme 2023. Collection method: clinical testing. Allele origin: germline.
Comment: The p.K1461E variant (also known as c.4381A>G), located in coding exon 27 of the CFTR gene, results from an A to G substitution at nucleotide position 4381. The lysine at codon 1461 is replaced by glutamic acid, an amino acid with similar properties. This amino acid position is poorly conserved in available vertebrate species. In addition, this alteration is predicted to be tolerated by in silico analysis. Based on the available evidence, the clinical significance of this variant remains unclear.